The following is an entry in ClinVar:

ClinVar aggregate classification (germline): Pathogenic (1 of 4 stars; one submission).

Allele frequency attached by ClinVar (database versions not stated): gnomAD exomes below 0.00001; ExAC 0.00002; TOPMed 0.00002; ESP Exome Variant Server 0.00008.
gnomAD v4.1: 8 of 1,578,752 alleles (0.00051%); highest among the groups gnomAD compares: South Asian, 0.0011%; no homozygotes.

Submission:

Labcorp Genetics (formerly Invitae), Labcorp
Classification: Pathogenic. Last evaluated: 2025-12-17. Review status: criteria provided, single submitter. Criteria: Invitae Variant Classification Sherloc (09022015). Collection method: clinical testing. Allele origin: germline.
Comment: This sequence change replaces arginine, which is basic and polar, with cysteine, which is neutral and slightly polar, at codon 449 of the CYP17A1 protein (p.Arg449Cys). The frequency data for this variant in the population databases is considered unreliable, as metrics indicate poor data quality at this position in the gnomAD database. This missense change has been observed in individuals with 17-alpha-hydroxylase deficiency (PMID: 21846181, 26920256, 30002216). ClinVar contains an entry for this variant (Variation ID: 1512295). Invitae Evidence Modeling of protein sequence and biophysical properties (such as structural, functional, and spatial information, amino acid conservation, physicochemical variation, residue mobility, and thermodynamic stability) indicates that this missense variant is expected to disrupt CYP17A1 protein function with a positive predictive value of 95%. This variant disrupts the p.Arg449 amino acid residue in CYP17A1. Other variant(s) that disrupt this residue have been determined to be pathogenic (PMID: 34097983; internal data). This suggests that this residue is clinically significant, and that variants that disrupt this residue are likely to be disease-causing. For these reasons, this variant has been classified as Pathogenic.

Literature cited by the submitters: PubMed 21846181; PubMed 26920256; PubMed 30002216; PubMed 34097983.

NM_000102.4(CYP17A1):c.1345C>T (p.Arg449Cys)

Gene: CYP17A1 (cytochrome P450 family 17 subfamily A member 1; minus strand). Cytogenetic location: 10q24.32.
Variant type: single nucleotide variant.
Coding change: c.1345C>T on transcript NM_000102.4 (MANE Select); coding-DNA position 1345, C replaced by T.
Protein change: p.Arg449Cys; replaces arginine 449 with cysteine.
Molecular consequence: missense variant.
Genome position (GRCh38, 1-based): chr10:102,830,884, G>A on the plus strand (C>T on the coding strand, the complement: CYP17A1 is on the minus strand). VCF-style: chr10-102830884-G-A. GRCh37 (hg19) VCF-style: chr10-104590641-G-A.
Other names: short protein forms R449C.
Identifiers: ClinVar variation 1512295 (VCV001512295.9), dbSNP rs371825363, ClinGen allele CA5669339.
Genomic context (GRCh38, chr10:102,830,884, plus strand): 5'-CTGGCACCTCCAGGTCGAACCTCTGCAGCAGCCAGGCCATGATGAGGAAGAGCTCCTGGC[G>A]GGCCAGGATCTCACCTATACAGGAGCGAGGTCCTGCTCCGAAGGGCAAATAGCTTACTGA-3'
Protein context (NP_000093.1, residues 439-459): PRSCIGEILA[Arg449Cys]QELFLIMAWL